The following is an entry in ClinVar:

ClinVar aggregate classification (germline): Conflicting classifications of pathogenicity. Review status: criteria provided, conflicting classifications (1 of 4 stars). 3 submissions from 3 submitters: Likely pathogenic (1); Uncertain significance (1). 1 of the submissions does not count toward it. Last evaluated 2022-06-13.

Conditions:
Nemaline myopathy 2 (NEM2). Also called: Nemaline myopathy 2, autosomal recessive. Identifiers: MedGen C1850569, MONDO:0009725, OMIM 256030.

Submissions (3):

Labcorp Genetics (formerly Invitae), Labcorp
Classification: Uncertain significance for Nemaline myopathy 2. Last evaluated: 2022-06-13. Review status: criteria provided, single submitter. Criteria: Invitae Variant Classification Sherloc (09022015). Collection method: clinical testing. Allele origin: germline.
Comment: In summary, the available evidence is currently insufficient to determine the role of this variant in disease. Therefore, it has been classified as a Variant of Uncertain Significance. Algorithms developed to predict the effect of missense changes on protein structure and function are either unavailable or do not agree on the potential impact of this missense change (SIFT: "Deleterious"; PolyPhen-2: "Not Available"; Align-GVGD: "Class C0"). This variant has not been reported in the literature in individuals affected with NEB-related conditions. This variant is not present in population databases (gnomAD no frequency). This sequence change replaces proline, which is neutral and non-polar, with arginine, which is basic and polar, at codon 7618 of the NEB protein (p.Pro7618Arg). ClinVar contains an entry for this variant (Variation ID: 801765).

Mendelics
Classification: Likely pathogenic for Nemaline myopathy 2. Last evaluated: 2019-05-28. Review status: criteria provided, single submitter. Criteria: Mendelics Assertion Criteria 2017. Collection method: clinical testing. Allele origin: unknown.

Natera, Inc.
Classification: Uncertain significance for Nemaline myopathy type 2. Last evaluated: 2025-03-06. Review status: no assertion criteria provided. Collection method: clinical testing. Allele origin: germline. Not counted in ClinVar's aggregate classification.

NM_001164508.2(NEB):c.22748C>G (p.Pro7583Arg)

Genes: NEB (nebulin; minus strand), RIF1 (replication timing regulatory factor 1; plus strand). Cytogenetic location: 2q23.3.
Variant type: single nucleotide variant.
Coding change: c.22748C>G on transcript NM_001164508.2 (MANE Select); coding-DNA position 22748, C replaced by G.
Protein change: p.Pro7583Arg; replaces proline 7583 with arginine.
Molecular consequence: missense variant.
Genome position (GRCh38, 1-based): chr2:151,518,370, G>C on the plus strand (C>G on the coding strand, the complement: NEB is on the minus strand). VCF-style: chr2-151518370-G-C. GRCh37 (hg19) VCF-style: chr2-152374884-G-C.
Other names: c.22748C>G, p.Pro7583Arg (NM_001164507.2); c.22853C>G, p.Pro7618Arg (NM_001271208.2); c.17645C>G, p.Pro5882Arg (NM_004543.5); c.22853C>G (NM_001271208.1); short protein forms P7583R, P7618R, P5882R.
Identifiers: ClinVar variation 801765 (VCV000801765.7), dbSNP rs1575897069, ClinGen allele CA348759446.